The following is an entry in ClinVar:

ClinVar aggregate classification (germline): Uncertain significance. Review status: criteria provided, multiple submitters, no conflicts (2 of 4 stars). 3 submissions from 3 submitters: Uncertain significance (3). Last evaluated 2025-03-08.

Conditions:
Inborn genetic diseases. Identifiers: MedGen C0950123, MeSH D030342.
Fanconi anemia (FA). Also called: Fanconi's anemia. Identifiers: Orphanet 84, MedGen C0015625, MeSH D005199, MONDO:0019391.

Allele frequency attached by ClinVar (database versions not stated): ExAC 0.00001.
gnomAD v4.1: 2 of 1,614,152 alleles (0.00012%); highest among the groups gnomAD compares: East Asian, 0.0022%; no homozygotes.

Submissions (3):

Ambry Genetics
Classification: Uncertain significance for Inborn genetic diseases. Last evaluated: 2025-03-08. Review status: criteria provided, single submitter. Criteria: Ambry Variant Classification Scheme 2023. Collection method: clinical testing. Allele origin: germline.
Comment: The p.P1220A variant (also known as c.3658C>G), located in coding exon 37 of the FANCA gene, results from a C to G substitution at nucleotide position 3658. The proline at codon 1220 is replaced by alanine, an amino acid with highly similar properties. This amino acid position is conserved. In addition, this alteration is predicted to be tolerated by in silico analysis. Based on the available evidence, the clinical significance of this variant remains unclear.

Blueprint Genetics
Classification: Uncertain significance. Last evaluated: 2022-10-27. Review status: criteria provided, single submitter. Criteria: ACMG Guidelines, 2015. Collection method: clinical testing. Allele origin: germline.

Labcorp Genetics (formerly Invitae), Labcorp
Classification: Uncertain significance for Fanconi anemia. Last evaluated: 2022-07-15. Review status: criteria provided, single submitter. Criteria: Invitae Variant Classification Sherloc (09022015). Collection method: clinical testing. Allele origin: germline.
Comment: This sequence change replaces proline, which is neutral and non-polar, with alanine, which is neutral and non-polar, at codon 1220 of the FANCA protein (p.Pro1220Ala). This variant is present in population databases (rs773150877, gnomAD 0.006%). This variant has not been reported in the literature in individuals affected with FANCA-related conditions. Advanced modeling of protein sequence and biophysical properties (such as structural, functional, and spatial information, amino acid conservation, physicochemical variation, residue mobility, and thermodynamic stability) performed at Invitae indicates that this missense variant is not expected to disrupt FANCA protein function. Algorithms developed to predict the effect of sequence changes on RNA splicing suggest that this variant may create or strengthen a splice site. In summary, the available evidence is currently insufficient to determine the role of this variant in disease. Therefore, it has been classified as a Variant of Uncertain Significance.

NM_000135.4(FANCA):c.3658C>G (p.Pro1220Ala)

Gene: FANCA (FA complementation group A; minus strand). Cytogenetic location: 16q24.3.
Variant type: single nucleotide variant.
Coding change: c.3658C>G on transcript NM_000135.4 (MANE Select); coding-DNA position 3658, C replaced by G.
Protein change: p.Pro1220Ala; replaces proline 1220 with alanine.
Molecular consequence: missense variant.
Genome position (GRCh38, 1-based): chr16:89,742,907, G>C on the plus strand (C>G on the coding strand, the complement: FANCA is on the minus strand). VCF-style: chr16-89742907-G-C. GRCh37 (hg19) VCF-style: chr16-89809315-G-C.
Other names: c.3658C>G, p.Pro1220Ala (NM_001286167.3); short protein forms P1220A.
Identifiers: ClinVar variation 2415456 (VCV002415456.5), dbSNP rs773150877, ClinGen allele CA8251032.